The following is an entry in ClinVar:

NM_004115.4(FGF14):c.384T>C (p.Asn128=)

Gene: FGF14 (fibroblast growth factor 14; minus strand). Cytogenetic location: 13q33.1.
Variant type: single nucleotide variant.
Coding change: c.384T>C on transcript NM_004115.4 (MANE Select); coding-DNA position 384, T replaced by C.
Protein change: p.Asn128=; no amino-acid change (asparagine 128 retained).
Molecular consequence: synonymous variant.
Genome position (GRCh38, 1-based): chr13:101,868,749, A>G on the plus strand (T>C on the coding strand, the complement: FGF14 is on the minus strand). VCF-style: chr13-101868749-A-G. GRCh37 (hg19) VCF-style: chr13-102521099-A-G.
Other names: c.132T>C, p.Asn44= (NM_001321931.1, NM_001321934.1, NM_001321935.1 and 4 more transcripts); c.195T>C, p.Asn65= (NM_001321932.1, NM_001321936.1, NM_001321944.1); c.204T>C, p.Asn68= (NM_001321933.1, NM_001321938.2, NM_001321940.1); c.399T>C, p.Asn133= (NM_001321937.2, NM_175929.3); c.288T>C, p.Asn96= (NM_001321939.2); c.198T>C, p.Asn66= (NM_001321941.2); c.282T>C, p.Asn94= (NM_001321945.2, NM_001321948.2, NM_001379342.1); c.243T>C, p.Asn81= (NM_001321947.2).
Identifiers: ClinVar variation 310901 (VCV000310901.9), dbSNP rs41281646, ClinGen allele CA7037183.

ClinVar aggregate classification (germline): Likely benign. Review status: criteria provided, multiple submitters, no conflicts (2 of 4 stars). 3 submissions from 3 submitters: Likely benign (3). Last evaluated 2024-07-16.

Conditions:
Spinocerebellar ataxia type 27 (SCA27). Identifiers: Orphanet 98764, MedGen C1836383, MONDO:0012247.

Allele frequency attached by ClinVar (database versions not stated): TOPMed 0.00014; 1000 Genomes Project 30x 0.00016; 1000 Genomes Project 0.00020; ESP Exome Variant Server 0.00023; gnomAD 0.00027 and 0.00029; gnomAD exomes 0.00027 and 0.00051; ExAC 0.00038.
gnomAD v4.1: 774 of 1,612,564 alleles (0.048%); highest among the groups gnomAD compares: Non-Finnish European, 0.062%; no homozygotes.

Submissions (3):

Blueprint Genetics
Classification: Likely benign. Last evaluated: 2024-07-16. Review status: criteria provided, single submitter. Criteria: ACMG Guidelines, 2015. Collection method: clinical testing. Allele origin: germline.

Labcorp Genetics (formerly Invitae), Labcorp
Classification: Likely benign. Last evaluated: 2023-07-11. Review status: criteria provided, single submitter. Criteria: Invitae Variant Classification Sherloc (09022015). Collection method: clinical testing. Allele origin: germline.

Illumina Laboratory Services, Illumina
Classification: Likely benign for Spinocerebellar ataxia 27A. Last evaluated: 2018-01-12. Review status: criteria provided, single submitter. Criteria: ICSL Variant Classification Criteria 13 December 2019. Collection method: clinical testing. Allele origin: germline.
Comment: This variant was observed in the ICSL laboratory as part of a predisposition screen in an ostensibly healthy population. It had not been previously curated by ICSL or reported in the Human Gene Mutation Database (HGMD: prior to June 1st, 2018), and was therefore a candidate for classification through an automated scoring system. Utilizing variant allele frequency, disease prevalence and penetrance estimates, and inheritance mode, an automated score was calculated to assess if this variant is too frequent to cause the disease. Based on the score and internal cut-off values, a variant classified as likely benign is not then subjected to further curation. The score for this variant resulted in a classification of likely benign for this disease.